The following is an entry in ClinVar:

NM_024642.5(GALNT12):c.1624G>C (p.Glu542Gln)

Gene: GALNT12 (polypeptide N-acetylgalactosaminyltransferase 12; plus strand). Cytogenetic location: 9q22.33.
Variant type: single nucleotide variant.
Coding change: c.1624G>C on transcript NM_024642.5 (MANE Select); coding-DNA position 1624, G replaced by C.
Protein change: p.Glu542Gln; replaces glutamic acid 542 with glutamine.
Molecular consequence: missense variant.
Genome position (GRCh38, 1-based): chr9:98,848,970, G>C. VCF-style: chr9-98848970-G-C. GRCh37 (hg19) VCF-style: chr9-101611252-G-C.
Other names: short protein forms E542Q.
Identifiers: ClinVar variation 1776671 (VCV001776671.5), dbSNP rs376894835, ClinGen allele CA196833953.
Genomic context (GRCh38, chr9:98,848,970, plus strand): 5'-ACTTTTCTGATGACTTGCCTGTCATTCTGTTATCTTTTGTAGGATGGATCTTTATTTCAC[G>C]AACAGTCCAAGAAATGTGTCCAGGCTGCGAGGAAGGAGTCGAGTGACAGTTTCGTTCCAC-3'
Protein context (NP_078918.3, residues 532-552): ILQEDGSLFH[Glu542Gln]QSKKCVQAAR

ClinVar aggregate classification (germline): Uncertain significance. Review status: criteria provided, multiple submitters, no conflicts (2 of 4 stars). 2 submissions from 2 submitters: Uncertain significance (2). Last evaluated 2024-08-04.

Allele frequency attached by ClinVar (database versions not stated): ESP Exome Variant Server 0.00008.
gnomAD v4.1: 3 of 1,613,952 alleles (0.00019%); highest among the groups gnomAD compares: Non-Finnish European, 0.00025%; no homozygotes.

Submissions (2):

Ambry Genetics
Classification: Uncertain significance. Last evaluated: 2024-08-04. Review status: criteria provided, single submitter. Criteria: Ambry Variant Classification Scheme 2023. Collection method: clinical testing. Allele origin: germline.
Comment: The p.E542Q variant (also known as c.1624G>C), located in coding exon 10 of the GALNT12 gene, results from a G to C substitution at nucleotide position 1624. The glutamic acid at codon 542 is replaced by glutamine, an amino acid with highly similar properties. This amino acid position is poorly conserved in available vertebrate species. In addition, this alteration is predicted to be tolerated by in silico analysis. The evidence for this gene-disease relationship is limited; therefore, the clinical significance of this alteration is unclear.

Labcorp Genetics (formerly Invitae), Labcorp
Classification: Uncertain significance. Last evaluated: 2024-06-29. Review status: criteria provided, single submitter. Criteria: Invitae Variant Classification Sherloc (09022015). Collection method: clinical testing. Allele origin: germline.
Comment: This sequence change replaces glutamic acid, which is acidic and polar, with glutamine, which is neutral and polar, at codon 542 of the GALNT12 protein (p.Glu542Gln). This variant is not present in population databases (gnomAD no frequency). This variant has not been reported in the literature in individuals affected with GALNT12-related conditions. ClinVar contains an entry for this variant (Variation ID: 1776671). Advanced modeling of protein sequence and biophysical properties (such as structural, functional, and spatial information, amino acid conservation, physicochemical variation, residue mobility, and thermodynamic stability) performed at Invitae indicates that this missense variant is not expected to disrupt GALNT12 protein function with a negative predictive value of 80%. In summary, the available evidence is currently insufficient to determine the role of this variant in disease. Therefore, it has been classified as a Variant of Uncertain Significance.